The following is an entry in ClinVar:

NM_003002.4(SDHD):c.235C>G (p.Leu79Val)

Gene: SDHD (succinate dehydrogenase complex subunit D; plus strand). Cytogenetic location: 11q23.1.
Variant type: single nucleotide variant.
Coding change: c.235C>G on transcript NM_003002.4 (MANE Select); coding-DNA position 235, C replaced by G.
Protein change: p.Leu79Val; replaces leucine 79 with valine.
Molecular consequence: missense variant. On other transcripts: non-coding transcript variant (1), intron variant (1).
Genome position (GRCh38, 1-based): chr11:112,088,932, C>G. VCF-style: chr11-112088932-C-G. GRCh37 (hg19) VCF-style: chr11-111959656-C-G.
Other names: c.118C>G, p.Leu40Val (NM_001276504.2); c.235C>G, p.Leu79Val (NM_001276506.2); c.169+959C>G (NM_001276503.2); short protein forms L40V, L79V.
Identifiers: ClinVar variation 2452937 (VCV002452937.2), dbSNP rs2498904860, ClinGen allele CA382617284.

ClinVar aggregate classification (germline): Uncertain significance (1 of 4 stars; one submission).

Conditions:
Hereditary cancer-predisposing syndrome. Also called: Neoplastic Syndromes, Hereditary; Tumor predisposition; Hereditary neoplastic syndrome; Hereditary Cancer Syndrome. Identifiers: Orphanet 140162, MedGen C0027672, MeSH D009386, MONDO:0015356.

Submission:

Ambry Genetics
Classification: Uncertain significance for Hereditary cancer-predisposing syndrome. Last evaluated: 2022-12-03. Review status: criteria provided, single submitter. Criteria: Ambry Variant Classification Scheme 2023. Collection method: clinical testing. Allele origin: germline.
Comment: The p.L79V variant (also known as c.235C>G), located in coding exon 3 of the SDHD gene, results from a C to G substitution at nucleotide position 235. The leucine at codon 79 is replaced by valine, an amino acid with highly similar properties. This amino acid position is conserved. In addition, this alteration is predicted to be deleterious by in silico analysis. Since supporting evidence is limited at this time, the clinical significance of this alteration remains unclear.